The following is an entry in ClinVar:

ClinVar aggregate classification (germline): Uncertain significance (1 of 4 stars; one submission).

Conditions:
Inborn genetic diseases. Identifiers: MedGen C0950123, MeSH D030342.

Allele frequency attached by ClinVar (database versions not stated): gnomAD exomes below 0.00001.
gnomAD v4.1: 7 of 1,614,046 alleles (0.00043%); highest among the groups gnomAD compares: East Asian, 0.0045%; no homozygotes.

Submission:

Ambry Genetics
Classification: Uncertain significance for Inborn genetic diseases. Last evaluated: 2024-10-05. Review status: criteria provided, single submitter. Criteria: Ambry Variant Classification Scheme 2023. Collection method: clinical testing. Allele origin: germline.
Comment: The p.G1437S variant (also known as c.4309G>A), located in coding exon 24 of the ATR gene, results from a G to A substitution at nucleotide position 4309. The glycine at codon 1437 is replaced by serine, an amino acid with similar properties. This amino acid position is conserved. In addition, this alteration is predicted to be tolerated by in silico analysis. Since supporting evidence is limited at this time, the clinical significance of this alteration remains unclear.

NM_001184.4(ATR):c.4309G>A (p.Gly1437Ser)

Gene: ATR (ATR checkpoint kinase; minus strand). Cytogenetic location: 3q23.
Variant type: single nucleotide variant.
Coding change: c.4309G>A on transcript NM_001184.4 (MANE Select); coding-DNA position 4309, G replaced by A.
Protein change: p.Gly1437Ser; replaces glycine 1437 with serine.
Molecular consequence: missense variant.
Genome position (GRCh38, 1-based): chr3:142,519,742, C>T on the plus strand (G>A on the coding strand, the complement: ATR is on the minus strand). VCF-style: chr3-142519742-C-T. GRCh37 (hg19) VCF-style: chr3-142238584-C-T.
Other names: c.4117G>A, p.Gly1373Ser (NM_001354579.2); short protein forms G1373S, G1437S.
Identifiers: ClinVar variation 1739603 (VCV001739603.3), dbSNP rs1366497648, ClinGen allele CA354800326.